The following is an entry in ClinVar:

NM_000074.3(CD40LG):c.410-3_410-2del

Gene: CD40LG (CD40 ligand; plus strand). Cytogenetic location: Xq26.3.
Variant type: Deletion.
Coding change: c.410-3_410-2del on transcript NM_000074.3 (MANE Select); 3 bases into the intron before coding-DNA position 410 through the canonical splice acceptor site of the intron before coding-DNA position 410, 2 bases deleted (CA; older notation c.410-3_410-2delCA).
Molecular consequence: splice acceptor variant.
Genome position (GRCh38, 1-based): chrX:136,659,036-136,659,037, CA deleted; deleting any 2 consecutive bases within chrX:136,659,035-136,659,037 gives the same sequence; the c. name uses the placement nearest the transcript's 3' end. VCF-style (leftmost placement, unchanged base first): chrX-136659034-AAC-A. GRCh37 (hg19) VCF-style: chrX-135741193-AAC-A.
Other names: c.410-3_410-2delCA (NM_000074.2).
Identifiers: ClinVar variation 662332 (VCV000662332.9), dbSNP rs1603321716, ClinGen allele CA915952039.

ClinVar aggregate classification (germline): Uncertain significance (1 of 4 stars; one submission).

Conditions:
Hyper-IgM syndrome type 1. Also called: X-linked hyper-IgM syndrome; Immunodeficiency, X-linked, with hyper-IgM; CD40 Ligand Deficiency; Hyper-IgM Immunodeficiency Syndrome, Type 1. Identifiers: Orphanet 101088, MedGen C0398689, MONDO:0010626, OMIM 308230.

Submission:

Labcorp Genetics (formerly Invitae), Labcorp
Classification: Uncertain significance for Hyper-IgM syndrome type 1. Last evaluated: 2022-08-23. Review status: criteria provided, single submitter. Criteria: Invitae Variant Classification Sherloc (09022015). Collection method: clinical testing. Allele origin: germline.
Comment: In summary, the available evidence is currently insufficient to determine the role of this variant in disease. Therefore, it has been classified as a Variant of Uncertain Significance. Variants that disrupt the consensus splice site are a relatively common cause of aberrant splicing (PMID: 17576681, 9536098). Algorithms developed to predict the effect of sequence changes on RNA splicing suggest that this variant may disrupt the consensus splice site. ClinVar contains an entry for this variant (Variation ID: 662332). This variant has not been reported in the literature in individuals affected with CD40LG-related conditions. This variant is not present in population databases (gnomAD no frequency). This sequence change falls in intron 4 of the CD40LG gene. It does not directly change the encoded amino acid sequence of the CD40LG protein. It affects a nucleotide within the consensus splice site.

Literature cited by the submitters: PubMed 17576681; PubMed 9536098.